The following is an entry in ClinVar:

ClinVar aggregate classification (germline): Uncertain significance (1 of 4 stars; one submission).

Submission:

Ambry Genetics
Classification: Uncertain significance. Last evaluated: 2021-12-12. Review status: criteria provided, single submitter. Criteria: Ambry Variant Classification Scheme 2023. Collection method: clinical testing. Allele origin: germline.
Comment: The p.E1678Q variant (also known as c.5032G>C), located in coding exon 16 of the POLQ gene, results from a G to C substitution at nucleotide position 5032. The glutamic acid at codon 1678 is replaced by glutamine, an amino acid with highly similar properties. This amino acid position is conserved. In addition, this alteration is predicted to be tolerated by in silico analysis. Since supporting evidence is limited at this time, the clinical significance of this alteration remains unclear.

NM_199420.4(POLQ):c.5032G>C (p.Glu1678Gln)

Gene: POLQ (DNA polymerase theta; minus strand). Cytogenetic location: 3q13.33.
Variant type: single nucleotide variant.
Coding change: c.5032G>C on transcript NM_199420.4 (MANE Select); coding-DNA position 5032, G replaced by C.
Protein change: p.Glu1678Gln; replaces glutamic acid 1678 with glutamine.
Molecular consequence: missense variant.
Genome position (GRCh38, 1-based): chr3:121,487,899, C>G on the plus strand (G>C on the coding strand, the complement: POLQ is on the minus strand). VCF-style: chr3-121487899-C-G. GRCh37 (hg19) VCF-style: chr3-121206746-C-G.
Other names: short protein forms E1678Q.
Identifiers: ClinVar variation 1744908 (VCV001744908.2), dbSNP rs2546785223, ClinGen allele CA354092294.